The following is an entry in ClinVar:

NM_001330078.2(NRXN1):c.8C>T (p.Thr3Met)

Gene: NRXN1 (neurexin 1; minus strand). Cytogenetic location: 2p16.3.
Variant type: single nucleotide variant.
Coding change: c.8C>T on transcript NM_001330078.2 (MANE Select); coding-DNA position 8, C replaced by T.
Protein change: p.Thr3Met; replaces threonine 3 with methionine.
Molecular consequence: missense variant.
Genome position (GRCh38, 1-based): chr2:51,028,266, G>A on the plus strand (C>T on the coding strand, the complement: NRXN1 is on the minus strand). VCF-style: chr2-51028266-G-A. GRCh37 (hg19) VCF-style: chr2-51255404-G-A.
Other names: c.8C>T, p.Thr3Met (NM_001135659.3, NM_001330077.2, NM_001330079.2 and 15 more transcripts); short protein forms T3M.
Identifiers: ClinVar variation 1020446 (VCV001020446.8), dbSNP rs1670941293, ClinGen allele CA346824892.

ClinVar aggregate classification (germline): Uncertain significance (1 of 4 stars; one submission).

Conditions:
Pitt-Hopkins-like syndrome 2 (PTHSL2). Identifiers: Orphanet 221150, Orphanet 600663, MedGen C3280479, MONDO:0013690, OMIM 614325.

gnomAD v4.1: 35 of 1,447,286 alleles (0.0024%); highest among the groups gnomAD compares: Non-Finnish European, 0.0031%; no homozygotes.

Submission:

Labcorp Genetics (formerly Invitae), Labcorp
Classification: Uncertain significance for Pitt-Hopkins-like syndrome 2. Last evaluated: 2023-08-17. Review status: criteria provided, single submitter. Criteria: Invitae Variant Classification Sherloc (09022015). Collection method: clinical testing. Allele origin: germline.
Comment: This variant has not been reported in the literature in individuals affected with NRXN1-related conditions. This variant is not present in population databases (gnomAD no frequency). This sequence change replaces threonine, which is neutral and polar, with methionine, which is neutral and non-polar, at codon 3 of the NRXN1 protein (p.Thr3Met). In summary, the available evidence is currently insufficient to determine the role of this variant in disease. Therefore, it has been classified as a Variant of Uncertain Significance. An algorithm developed to predict the effect of missense changes on protein structure and function (PolyPhen-2) suggests that this variant is likely to be tolerated. ClinVar contains an entry for this variant (Variation ID: 1020446).